The following is an entry in ClinVar:

NM_001035.3(RYR2):c.14433+298G>A

Gene: RYR2 (ryanodine receptor 2; plus strand). Cytogenetic location: 1q43.
Variant type: single nucleotide variant.
Coding change: c.14433+298G>A on transcript NM_001035.3 (MANE Select); 298 bases into the intron after coding-DNA position 14433, G replaced by A.
Molecular consequence: intron variant.
Genome position (GRCh38, 1-based): chr1:237,809,333, G>A. VCF-style: chr1-237809333-G-A. GRCh37 (hg19) VCF-style: chr1-237972633-G-A.
Identifiers: ClinVar variation 672903 (VCV000672903.1), dbSNP rs113341823, ClinGen allele CA39844069.

ClinVar aggregate classification (germline): Likely benign (1 of 4 stars; one submission).

Allele frequency attached by ClinVar (database versions not stated): gnomAD 0.01070 and 0.01136; 1000 Genomes Project 30x 0.01093; 1000 Genomes Project 0.01098; TOPMed 0.01135.
gnomAD v4.1: 1,611 of 152,262 alleles (1.1%); highest among the groups gnomAD compares: African/African-American, 3.7%; 28 homozygotes.

Submission:

GeneDx
Classification: Likely benign. Last evaluated: 2018-06-14. Review status: criteria provided, single submitter. Criteria: GeneDx Variant Classification (06012015). Collection method: clinical testing. Allele origin: germline. Affected: yes.
Comment: This variant is considered likely benign or benign based on one or more of the following criteria: it is a conservative change, it occurs at a poorly conserved position in the protein, it is predicted to be benign by multiple in silico algorithms, and/or has population frequency not consistent with disease.